The following is an entry in ClinVar:

ClinVar aggregate classification (germline): Uncertain significance (1 of 4 stars; one submission).

Conditions:
Epileptic encephalopathy. Identifiers: MedGen C0543888, HP:0200134.

Allele frequency attached by ClinVar (database versions not stated): gnomAD exomes below 0.00001 and 0.00001; TOPMed below 0.00001.
gnomAD v4.1: 9 of 1,613,680 alleles (0.00056%); highest among the groups gnomAD compares: Non-Finnish European, 0.00076%; no homozygotes.

Submission:

Labcorp Genetics (formerly Invitae), Labcorp
Classification: Uncertain significance for Epileptic encephalopathy. Last evaluated: 2020-07-31. Review status: criteria provided, single submitter. Criteria: Invitae Variant Classification Sherloc (09022015). Collection method: clinical testing. Allele origin: germline.
Comment: This variant is not present in population databases (ExAC no frequency). This sequence change replaces leucine with phenylalanine at codon 2973 of the RYR3 protein (p.Leu2973Phe). The leucine residue is highly conserved and there is a small physicochemical difference between leucine and phenylalanine. This variant has not been reported in the literature in individuals with RYR3-related conditions. In summary, the available evidence is currently insufficient to determine the role of this variant in disease. Therefore, it has been classified as a Variant of Uncertain Significance. Algorithms developed to predict the effect of missense changes on protein structure and function are either unavailable or do not agree on the potential impact of this missense change (SIFT: "Deleterious"; PolyPhen-2: "Probably Damaging"; Align-GVGD: "Class C0").

NM_001036.6(RYR3):c.8917C>T (p.Leu2973Phe)

Gene: RYR3 (ryanodine receptor 3; plus strand). Cytogenetic location: 15q14.
Variant type: single nucleotide variant.
Coding change: c.8917C>T on transcript NM_001036.6 (MANE Select); coding-DNA position 8917, C replaced by T.
Protein change: p.Leu2973Phe; replaces leucine 2973 with phenylalanine.
Molecular consequence: missense variant.
Genome position (GRCh38, 1-based): chr15:33,772,020, C>T. VCF-style: chr15-33772020-C-T. GRCh37 (hg19) VCF-style: chr15-34064221-C-T.
Other names: c.8917C>T, p.Leu2973Phe (NM_001243996.4); short protein forms L2973F.
Identifiers: ClinVar variation 998637 (VCV000998637.8), dbSNP rs1425978893, ClinGen allele CA391588425.